The following is an entry in ClinVar:

ClinVar aggregate classification (germline): Uncertain significance (1 of 4 stars; one submission).

Submission:

Labcorp Genetics (formerly Invitae), Labcorp
Classification: Uncertain significance. Last evaluated: 2025-06-09. Review status: criteria provided, single submitter. Criteria: Invitae Variant Classification Sherloc (09022015). Collection method: clinical testing. Allele origin: germline.
Comment: This sequence change replaces tyrosine, which is neutral and polar, with cysteine, which is neutral and slightly polar, at codon 442 of the ATRN protein (p.Tyr442Cys). This variant is not present in population databases (gnomAD no frequency). This variant has not been reported in the literature in individuals affected with ATRN-related conditions. ClinVar contains an entry for this variant (Variation ID: 1478137). An algorithm developed to predict the effect of missense changes on protein structure and function (PolyPhen-2) suggests that this variant is likely to be tolerated. In summary, the available evidence is currently insufficient to determine the role of this variant in disease. Therefore, it has been classified as a Variant of Uncertain Significance.

NM_139321.3(ATRN):c.1325A>G (p.Tyr442Cys)

Gene: ATRN (attractin; plus strand). Cytogenetic location: 20p13.
Variant type: single nucleotide variant.
Coding change: c.1325A>G on transcript NM_139321.3 (MANE Select); coding-DNA position 1325, A replaced by G.
Protein change: p.Tyr442Cys; replaces tyrosine 442 with cysteine.
Molecular consequence: missense variant.
Genome position (GRCh38, 1-based): chr20:3,560,783, A>G. VCF-style: chr20-3560783-A-G. GRCh37 (hg19) VCF-style: chr20-3541430-A-G.
Other names: c.977A>G, p.Tyr326Cys (NM_001207047.3); c.1325A>G, p.Tyr442Cys (NM_001323332.2, NM_139322.4); short protein forms Y326C, Y442C.
Identifiers: ClinVar variation 1478137 (VCV001478137.8), dbSNP rs2146221013, ClinGen allele CA408254395.
Genomic context (GRCh38, chr20:3,560,783, plus strand): 5'-GAGTTTTTCACATTCATAATGAGTCATGGGTGTTGTTGACCCCTAAGGCAAAGGAGCAGT[A>G]TGCAGTGGTTGGGCACTCTGCACACATTGTTACACTGAAGAATGGCCGAGTGGTCATGCT-3'
Protein context (NP_647537.1, residues 432-452): VLLTPKAKEQ[Tyr442Cys]AVVGHSAHIV